The following is an entry in ClinVar:

NM_000257.4(MYH7):c.2679+3G>A

Genes: MYH7 (myosin heavy chain 7; minus strand), LOC126861898 (BRD4-independent group 4 enhancer GRCh37_chr14:23893609-23894808; plus strand). Cytogenetic location: 14q11.2.
Variant type: single nucleotide variant.
Coding change: c.2679+3G>A on transcript NM_000257.4 (MANE Select); 3 bases into the intron after coding-DNA position 2679, G replaced by A.
Molecular consequence: intron variant.
Genome position (GRCh38, 1-based): chr14:23,424,766, C>T on the plus strand (G>A on the coding strand, the complement: MYH7 is on the minus strand). VCF-style: chr14-23424766-C-T. GRCh37 (hg19) VCF-style: chr14-23893975-C-T.
Other names: c.2679+3G>A (LRG_384t1).
Identifiers: ClinVar variation 516354 (VCV000516354.7), dbSNP rs553486562, ClinGen allele CA257819306.

ClinVar aggregate classification (germline): Conflicting classifications of pathogenicity. Review status: criteria provided, conflicting classifications (1 of 4 stars). 5 submissions from 5 submitters: Uncertain significance (2); Likely benign (3). Last evaluated 2025-09-11.

Conditions:
Cardiomyopathy (CMYO). Also called: Cardiomyopathies. Identifiers: Orphanet 167848, MedGen C0878544, MONDO:0004994, HP:0001638. Inheritance: Various modes of inheritance.
Cardiovascular phenotype. Identifiers: MedGen CN230736.
Hypertrophic cardiomyopathy. Also called: HYPERTROPHIC MYOCARDIOPATHY. Identifiers: Orphanet 217569, MedGen C0007194, MeSH D002312, MONDO:0005045, HP:0001639.

Allele frequency attached by ClinVar (database versions not stated): gnomAD exomes below 0.00001; gnomAD 0.00001; TOPMed 0.00002; 1000 Genomes Project 30x 0.00016; 1000 Genomes Project 0.00020.
gnomAD v4.1: 1 of 1,614,084 alleles (0.000062%); highest among the groups gnomAD compares: Admixed American, 0.0017%; no homozygotes.

Submissions (5):

Labcorp Genetics (formerly Invitae), Labcorp
Classification: Uncertain significance for Hypertrophic cardiomyopathy. Last evaluated: 2025-09-11. Review status: criteria provided, single submitter. Criteria: Invitae Variant Classification Sherloc (09022015). Collection method: clinical testing. Allele origin: germline.
Comment: This sequence change falls in intron 22 of the MYH7 gene. It does not directly change the encoded amino acid sequence of the MYH7 protein. It affects a nucleotide within the consensus splice site. This variant is not present in population databases (gnomAD no frequency). This variant has not been reported in the literature in individuals affected with MYH7-related conditions. ClinVar contains an entry for this variant (Variation ID: 516354). Variants that disrupt the consensus splice site are a relatively common cause of aberrant splicing (PMID: 17576681, 9536098). Algorithms developed to predict the effect of sequence changes on RNA splicing suggest that this variant is not likely to affect RNA splicing. In summary, the available evidence is currently insufficient to determine the role of this variant in disease. Therefore, it has been classified as a Variant of Uncertain Significance.

Ambry Genetics
Classification: Uncertain significance for Cardiovascular phenotype. Last evaluated: 2024-11-19. Review status: criteria provided, single submitter. Criteria: Ambry Variant Classification Scheme 2023. Collection method: clinical testing. Allele origin: germline.
Comment: The c.2679+3G>A intronic variant results from a G to A substitution 3 nucleotides after coding exon 20 in the MYH7 gene. This nucleotide position is well conserved in available vertebrate species. In silico splice site analysis predicts that this alteration will not have any significant effect on splicing. Based on the available evidence, the clinical significance of this variant remains unclear.

All of Us Research Program, National Institutes of Health
Classification: Likely benign for Cardiomyopathy. Last evaluated: 2023-04-10. Review status: criteria provided, single submitter. Criteria: ACMG Guidelines, 2015. Collection method: clinical testing. Allele origin: germline. Inheritance: Autosomal dominant inheritance. Observed: 1 variant allele, 1 heterozygote.
Comment: This study involves interpretation of variants in research participants for the purpose of population health screening. Participant phenotype was not available at the time of variant classification. Additional details can be found in publication PMID: 35346344, PMCID: PMC8962531

Color Diagnostics, LLC DBA Color Health
Classification: Likely benign for Cardiomyopathy. Last evaluated: 2022-09-28. Review status: criteria provided, single submitter. Criteria: ACMG Guidelines, 2015. Collection method: clinical testing. Allele origin: germline.

GeneDx
Classification: Likely benign. Last evaluated: 2017-12-12. Review status: criteria provided, single submitter. Criteria: GeneDx Variant Classification (06012015). Collection method: clinical testing. Allele origin: germline. Affected: yes.
Comment: This variant is considered likely benign or benign based on one or more of the following criteria: it is a conservative change, it occurs at a poorly conserved position in the protein, it is predicted to be benign by multiple in silico algorithms, and/or has population frequency not consistent with disease.

Literature cited by the submitters: PubMed 17576681 (cited by Labcorp Genetics (formerly Invitae), Labcorp); PubMed 9536098 (cited by Labcorp Genetics (formerly Invitae), Labcorp).